The following is an entry in ClinVar:

ClinVar aggregate classification (germline): Likely benign (1 of 4 stars; one submission).

Conditions:
DOCK11-related disorder. Also called: DOCK11-related condition.

gnomAD v4.1: 4,455 of 1,207,114 alleles (0.37%); highest among the groups gnomAD compares: Non-Finnish European, 0.47%; 5 homozygotes.

Submission:

PreventionGenetics, part of Exact Sciences
Classification: Likely benign for DOCK11-related condition. Last evaluated: 2024-11-21. Review status: criteria provided, single submitter. Criteria: ACMG Guidelines, 2015. Collection method: clinical testing. Allele origin: germline.
Comment: This variant is classified as likely benign based on ACMG/AMP sequence variant interpretation guidelines (Richards et al. 2015 PMID: 25741868, with internal and published modifications).

NM_144658.4(DOCK11):c.337C>G (p.His113Asp)

Gene: DOCK11 (dedicator of cytokinesis 11; plus strand). Cytogenetic location: Xq24.
Variant type: single nucleotide variant.
Coding change: c.337C>G on transcript NM_144658.4 (MANE Select); coding-DNA position 337, C replaced by G.
Protein change: p.His113Asp; replaces histidine 113 with aspartic acid.
Molecular consequence: missense variant.
Genome position (GRCh38, 1-based): chrX:118,543,538, C>G. VCF-style: chrX-118543538-C-G. GRCh37 (hg19) VCF-style: chrX-117677501-C-G.
Other names: short protein forms H113D.
Identifiers: ClinVar variation 4987752 (VCV004987752.1).
Genomic context (GRCh38, chrX:118,543,538, plus strand): 5'-TATTTCAAATTCAAGATTCCTATTTTCTTTCAGTGTATTAAAACCTATAGCACAGATTGG[C>G]ACGTGGTAAACTACAAGTATGAGGACTTCTCTGGGGACTTTCGAATGTTGCCATGGTAAG-3'
Protein context (NP_653259.3, residues 103-123): ECIKTYSTDW[His113Asp]VVNYKYEDFS